The following is an entry in ClinVar:

NM_013436.5(NCKAP1):c.1243C>T (p.Leu415Phe)

Gene: NCKAP1 (NCK associated protein 1; minus strand). Cytogenetic location: 2q32.1.
Variant type: single nucleotide variant.
Coding change: c.1243C>T on transcript NM_013436.5 (MANE Select); coding-DNA position 1243, C replaced by T.
Protein change: p.Leu415Phe; replaces leucine 415 with phenylalanine.
Molecular consequence: missense variant.
Genome position (GRCh38, 1-based): chr2:182,981,342, G>A on the plus strand (C>T on the coding strand, the complement: NCKAP1 is on the minus strand). VCF-style: chr2-182981342-G-A. GRCh37 (hg19) VCF-style: chr2-183846070-G-A.
Other names: c.1237C>T, p.Leu413Phe (NM_001437266.1); c.1255C>T, p.Leu419Phe (NM_001437267.1); c.1261C>T, p.Leu421Phe (NM_205842.3); short protein forms L413F, L415F, L419F, L421F.
Identifiers: ClinVar variation 5017329 (VCV005017329.1).
Genomic context (GRCh38, chr2:182,981,342, plus strand): 5'-AAAGGTACTGCACGTAATACCTCTGCATTACAGGTCCGTATTTCCTCACATGTGCTCTAA[G>A]TTCTTCCATGTAAAATATTAATTCAGCAATGTGCCTTTTTTAAAATTTCAAGAAAAATAT-3'
Protein context (NP_038464.1, residues 405-425): IAELIFYMEE[Leu415Phe]RAHVRKYGPV

ClinVar aggregate classification (germline): Uncertain significance (1 of 4 stars; one submission).

Submission:

GeneDx
Classification: Uncertain significance. Last evaluated: 2026-03-24. Review status: criteria provided, single submitter. Criteria: GeneDx Variant Classification Process June 2021. Collection method: clinical testing. Allele origin: germline.
Comment: Not observed at significant frequency in large population cohorts (gnomAD); In silico analysis supports that this missense variant has a deleterious effect on protein structure/function; Has not been previously published as pathogenic or benign to our knowledge